The following is an entry in ClinVar:

ClinVar aggregate classification (germline): Benign/Likely benign. Review status: criteria provided, multiple submitters, no conflicts (2 of 4 stars). 3 submissions from 3 submitters: Benign (1); Likely benign (2). Last evaluated 2024-08-07.

Conditions:
Hereditary cancer-predisposing syndrome. Also called: Tumor predisposition; Neoplastic Syndromes, Hereditary; Hereditary Cancer Syndrome; Hereditary neoplastic syndrome. Identifiers: Orphanet 140162, MedGen C0027672, MeSH D009386, MONDO:0015356.
Juvenile polyposis syndrome (JPS). Identifiers: Orphanet 2929, MedGen C0345893, MONDO:0017380, OMIM 174900.

Submissions (3):

Myriad Genetics, Inc.
Classification: Benign for Juvenile polyposis syndrome. Last evaluated: 2024-08-07. Review status: criteria provided, single submitter. Criteria: Myriad Autosomal Dominant, Autosomal Recessive and X-Linked Classification Criteria (2023). Collection method: clinical testing. Allele origin: unknown.
Comment: This variant is considered benign. This variant is a silent/synonymous amino acid change and it is not expected to impact splicing.

Labcorp Genetics (formerly Invitae), Labcorp
Classification: Likely benign for Juvenile polyposis syndrome. Last evaluated: 2021-05-16. Review status: criteria provided, single submitter. Criteria: Invitae Variant Classification Sherloc (09022015). Collection method: clinical testing. Allele origin: germline.

Ambry Genetics
Classification: Likely benign for Hereditary cancer-predisposing syndrome. Last evaluated: 2016-06-03. Review status: criteria provided, single submitter. Criteria: Ambry Variant Classification Scheme 2023. Collection method: clinical testing. Allele origin: germline.

NM_004329.3(BMPR1A):c.1249C>T (p.Leu417=)

Gene: BMPR1A (bone morphogenetic protein receptor type 1A; plus strand). Cytogenetic location: 10q23.2.
Variant type: single nucleotide variant.
Coding change: c.1249C>T on transcript NM_004329.3 (MANE Select); coding-DNA position 1249, C replaced by T.
Protein change: p.Leu417=; no amino-acid change (leucine 417 retained).
Molecular consequence: synonymous variant.
Genome position (GRCh38, 1-based): chr10:86,921,602, C>T. VCF-style: chr10-86921602-C-T. GRCh37 (hg19) VCF-style: chr10-88681359-C-T.
Identifiers: ClinVar variation 486809 (VCV000486809.14), dbSNP rs1554891334, ClinGen allele CA470308330.